The following is an entry in ClinVar:

NM_005359.6(SMAD4):c.778_779dup (p.His261fs)

Gene: SMAD4 (SMAD family member 4; plus strand). Cytogenetic location: 18q21.2.
Variant type: Duplication.
Coding change: c.778_779dup on transcript NM_005359.6 (MANE Select); coding-DNA positions 778 to 779, 2 bases duplicated (TA; older notation c.778_779dupTA).
Protein change: p.His261fs; shifts the reading frame from histidine 261.
Molecular consequence: frameshift variant.
Genome position (GRCh38, 1-based): chr18:51,058,235-51,058,236, TA duplicated. VCF-style (leftmost placement, unchanged base first): chr18-51058234-T-TTA. GRCh37 (hg19) VCF-style: chr18-48584604-T-TTA.
Other names: c.778_779dup, p.His261Thrfs (NM_001407041.1, NM_001407042.1, NM_001407043.1); short protein forms H261fs.
Identifiers: ClinVar variation 2108501 (VCV002108501.4), dbSNP rs2511376942, ClinGen allele CA2580095836.

ClinVar aggregate classification (germline): Pathogenic (1 of 4 stars; one submission).

Conditions:
Juvenile polyposis syndrome (JPS). Identifiers: Orphanet 2929, MedGen C0345893, MONDO:0017380, OMIM 174900.

Submission:

Labcorp Genetics (formerly Invitae), Labcorp
Classification: Pathogenic for Juvenile polyposis syndrome. Last evaluated: 2022-03-10. Review status: criteria provided, single submitter. Criteria: Invitae Variant Classification Sherloc (09022015). Collection method: clinical testing. Allele origin: germline.
Comment: For these reasons, this variant has been classified as Pathogenic. This variant has not been reported in the literature in individuals affected with SMAD4-related conditions. This variant is not present in population databases (gnomAD no frequency). This sequence change creates a premature translational stop signal (p.His261Thrfs*76) in the SMAD4 gene. It is expected to result in an absent or disrupted protein product. Loss-of-function variants in SMAD4 are known to be pathogenic (PMID: 16152648, 16436638, 22810475).

Literature cited by the submitters: PubMed 16152648; PubMed 16436638; PubMed 22810475.